The following is an entry in ClinVar:

NM_001278116.2(L1CAM):c.1811_1816dup (p.Gln605_Leu606insProGln)

Gene: L1CAM (L1 cell adhesion molecule; minus strand). Cytogenetic location: Xq28.
Variant type: Duplication.
Coding change: c.1811_1816dup on transcript NM_001278116.2 (MANE Select); coding-DNA positions 1811 to 1816, 6 bases duplicated (CACAGC; older notation c.1811_1816dupCACAGC).
Protein change: p.Gln605_Leu606insProGln.
Molecular consequence: inframe insertion.
Genome position (GRCh38, 1-based): chrX:153,868,010-153,868,015, GCTGTG duplicated on the plus strand (CACAGC on the coding strand, the reverse complement: L1CAM is on the minus strand). VCF-style (leftmost placement, unchanged base first): chrX-153868009-A-AGCTGTG. GRCh37 (hg19) VCF-style: chrX-153133464-A-AGCTGTG.
Other names: c.1811_1816dup, p.Gln605_Leu606insProGln (NM_000425.5, NM_024003.3); c.1796_1801dup, p.Gln600_Leu601insProGln (NM_001143963.2).
Identifiers: ClinVar variation 2581462 (VCV002581462.1), dbSNP rs2520996542, ClinGen allele CA2582342936.

ClinVar aggregate classification (germline): Uncertain significance (1 of 4 stars; one submission).

Submission:

Women's Health and Genetics/Laboratory Corporation of America, LabCorp
Classification: Uncertain significance. Last evaluated: 2023-08-31. Review status: criteria provided, single submitter. Criteria: LabCorp Variant Classification Summary - May 2015. Collection method: clinical testing. Allele origin: germline.
Comment: Variant summary: L1CAM c.1811_1816dupCACAGC (p.Gln605_Leu606insProGln) results in an in-frame insertion that is predicted to insert two amino acids into the encoded protein. The variant was absent in 183158 control chromosomes. The available data on variant occurrences in the general population are insufficient to allow any conclusion about variant significance. To our knowledge, no occurrence of c.1811_1816dupCACAGC in individuals affected with L1 Syndrome and no experimental evidence demonstrating its impact on protein function have been reported. No submitters have cited clinical-significance assessments for this variant to ClinVar after 2014. Based on the evidence outlined above, the variant was classified as uncertain significance.